The following is an entry in ClinVar:

ClinVar aggregate classification (germline): Uncertain significance (1 of 4 stars; one submission).

Conditions:
Leukocyte adhesion deficiency 1 (LAD1). Also called: LEUKOCYTE ADHESION DEFICIENCY, TYPE I; LAD 1; Lymphocyte function-associated antigen 1 immunodeficiency; LFA 1 immunodeficiency. Identifiers: Orphanet 2968, Orphanet 99842, MedGen C0398738, MONDO:0007293, OMIM 116920.

Allele frequency attached by ClinVar (database versions not stated): gnomAD exomes below 0.00001.
gnomAD v4.1: 2 of 1,614,080 alleles (0.00012%); highest among the groups gnomAD compares: Non-Finnish European, 0.00017%; no homozygotes.

Submission:

Labcorp Genetics (formerly Invitae), Labcorp
Classification: Uncertain significance for Leukocyte adhesion deficiency 1. Last evaluated: 2018-12-15. Review status: criteria provided, single submitter. Criteria: Invitae Variant Classification Sherloc (09022015). Collection method: clinical testing. Allele origin: germline.
Comment: This sequence change replaces aspartic acid with glutamic acid at codon 134 of the ITGB2 protein (p.Asp134Glu). The aspartic acid residue is highly conserved and there is a small physicochemical difference between aspartic acid and glutamic acid. In summary, the available evidence is currently insufficient to determine the role of this variant in disease. Therefore, it has been classified as a Variant of Uncertain Significance. Algorithms developed to predict the effect of missense changes on protein structure and function (SIFT, PolyPhen-2, Align-GVGD) all suggest that this variant is likely to be disruptive, but these predictions have not been confirmed by published functional studies and their clinical significance is uncertain. This variant has not been reported in the literature in individuals with ITGB2-related conditions. This variant is not present in population databases (ExAC no frequency).

NM_000211.5(ITGB2):c.402C>G (p.Asp134Glu)

Gene: ITGB2 (integrin subunit beta 2; minus strand). Cytogenetic location: 21q22.3.
Variant type: single nucleotide variant.
Coding change: c.402C>G on transcript NM_000211.5 (MANE Select); coding-DNA position 402, C replaced by G.
Protein change: p.Asp134Glu; replaces aspartic acid 134 with glutamic acid.
Molecular consequence: missense variant.
Genome position (GRCh38, 1-based): chr21:44,903,462, G>C on the plus strand (C>G on the coding strand, the complement: ITGB2 is on the minus strand). VCF-style: chr21-44903462-G-C. GRCh37 (hg19) VCF-style: chr21-46323377-G-C.
Other names: c.402C>G, p.Asp134Glu (NM_001127491.3); c.195C>G, p.Asp65Glu (NM_001303238.2); short protein forms D65E, D134E.
Identifiers: ClinVar variation 646144 (VCV000646144.9), dbSNP rs1601310189, ClinGen allele CA410478510.